The following is an entry in ClinVar:

ClinVar aggregate classification (germline): Likely pathogenic (1 of 4 stars; one submission).

Submission:

GeneDx
Classification: Likely pathogenic. Last evaluated: 2018-04-03. Review status: criteria provided, single submitter. Criteria: GeneDx Variant Classification (06012015). Collection method: clinical testing. Allele origin: germline. Affected: yes.
Comment: The c.1339_1341delGTAinsTT variant in the ERCC2 gene has not been reported previously as a pathogenic variant nor as a benign variant, to our knowledge. This variant causes a frameshift starting with codon Valine 447, changes this amino acid to a Phenylalanine residue, and creates a premature Stop codon at position 37 of the new reading frame, denoted p.Val447PhefsX37. The c.1339_1341delGTAinsTT variant is predicted to cause loss of normal protein function either through protein truncation or nonsense-mediated mRNA decay. This variant is not observed in large population cohorts (Lek et al., 2016). We interpret c.1339_1341delGTAinsTT as a likely pathogenic variant.

NM_000400.4(ERCC2):c.1339_1341delinsTT (p.Val447fs)

Gene: ERCC2 (ERCC excision repair 2, TFIIH core complex helicase subunit; minus strand). Cytogenetic location: 19q13.32.
Variant type: Indel.
Coding change: c.1339_1341delinsTT on transcript NM_000400.4 (MANE Select); coding-DNA positions 1339 to 1341, GTA replaced by TT.
Protein change: p.Val447fs; shifts the reading frame from valine 447.
Molecular consequence: frameshift variant.
Genome position (GRCh38, 1-based): chr19:45,357,510-45,357,512, TAC replaced by AA on the plus strand (GTA replaced by TT on the coding strand, the reverse complement: ERCC2 is on the minus strand). VCF-style: chr19-45357510-TAC-AA. GRCh37 (hg19) VCF-style: chr19-45860768-TAC-AA.
Other names: c.1339_1341delGTAinsTT (NM_000400.3); short protein forms V447fs.
Identifiers: ClinVar variation 524051 (VCV000524051.2), dbSNP rs1555776677, ClinGen allele CA658799253.